The following is an entry in ClinVar:

NM_005585.5(SMAD6):c.1157A>G (p.Lys386Arg)

Gene: SMAD6 (SMAD family member 6; plus strand). Cytogenetic location: 15q22.31.
Variant type: single nucleotide variant.
Coding change: c.1157A>G on transcript NM_005585.5 (MANE Select); coding-DNA position 1157, A replaced by G.
Protein change: p.Lys386Arg; replaces lysine 386 with arginine.
Molecular consequence: missense variant. On other transcripts: non-coding transcript variant (1).
Genome position (GRCh38, 1-based): chr15:66,781,201, A>G. VCF-style: chr15-66781201-A-G. GRCh37 (hg19) VCF-style: chr15-67073539-A-G.
Other names: short protein forms K386R.
Identifiers: ClinVar variation 1973469 (VCV001973469.5), dbSNP rs1324923793, ClinGen allele CA393201977.

ClinVar aggregate classification (germline): Uncertain significance (1 of 4 stars; one submission).

Conditions:
Aortic valve disease 2 (AOVD2). Identifiers: MedGen C3542024, MONDO:0013902, OMIM 614823.

Allele frequency attached by ClinVar (database versions not stated): gnomAD exomes below 0.00001.
gnomAD v4.1: 1 of 1,608,414 alleles (0.000062%); highest among the groups gnomAD compares: Non-Finnish European, 0.000085%; no homozygotes.

Submission:

Labcorp Genetics (formerly Invitae), Labcorp
Classification: Uncertain significance for Aortic valve disease 2. Last evaluated: 2022-03-30. Review status: criteria provided, single submitter. Criteria: Invitae Variant Classification Sherloc (09022015). Collection method: clinical testing. Allele origin: germline.
Comment: This sequence change replaces lysine, which is basic and polar, with arginine, which is basic and polar, at codon 386 of the SMAD6 protein (p.Lys386Arg). In summary, the available evidence is currently insufficient to determine the role of this variant in disease. Therefore, it has been classified as a Variant of Uncertain Significance. Algorithms developed to predict the effect of missense changes on protein structure and function are either unavailable or do not agree on the potential impact of this missense change (SIFT: "Tolerated"; PolyPhen-2: "Probably Damaging"; Align-GVGD: "Class C0"). This variant has not been reported in the literature in individuals affected with SMAD6-related conditions. This variant is present in population databases (no rsID available, gnomAD 0.0009%).